The following is an entry in ClinVar:

ClinVar aggregate classification (germline): Uncertain significance. Review status: criteria provided, multiple submitters, no conflicts (2 of 4 stars). 2 submissions from 2 submitters: Uncertain significance (2). Last evaluated 2025-08-06.

Conditions:
Congenital microvillous atrophy (DIAR2). Also called: DAVIDSON DISEASE; Microvillus inclusion disease; Diarrhea 2 with microvillus atrophy, with or without cholestasis; CONGENITAL FAMILIAL PROTRACTED DIARRHEA WITH ENTEROCYTE BRUSH-BORDER ABNORMALITIES; MICROVILLUS ATROPHY, CONGENITAL. Identifiers: Orphanet 2290, MedGen C0341306, MONDO:0009635, OMIM 251850.

Allele frequency attached by ClinVar (database versions not stated): ExAC 0.00001; gnomAD 0.00001; gnomAD exomes 0.00001 and 0.00002; TOPMed 0.00002; ESP Exome Variant Server 0.00008.
gnomAD v4.1: 14 of 1,613,810 alleles (0.00087%); highest among the groups gnomAD compares: African/African-American, 0.004%; no homozygotes.

Submissions (2):

Labcorp Genetics (formerly Invitae), Labcorp
Classification: Uncertain significance. Last evaluated: 2025-08-06. Review status: criteria provided, single submitter. Criteria: Invitae Variant Classification Sherloc (09022015). Collection method: clinical testing. Allele origin: germline.
Comment: This sequence change replaces arginine, which is basic and polar, with tryptophan, which is neutral and slightly polar, at codon 531 of the MYO5B protein (p.Arg531Trp). This variant is present in population databases (rs374618270, gnomAD 0.01%). This missense change has been observed in individual(s) with clinical features of microvillus inclusion disease (PMID: 24014347, 38448026). ClinVar contains an entry for this variant (Variation ID: 1339137). Invitae Evidence Modeling of protein sequence and biophysical properties (such as structural, functional, and spatial information, amino acid conservation, physicochemical variation, residue mobility, and thermodynamic stability) indicates that this missense variant is not expected to disrupt MYO5B protein function with a negative predictive value of 80%. In summary, the available evidence is currently insufficient to determine the role of this variant in disease. Therefore, it has been classified as a Variant of Uncertain Significance.

Neuberg Centre For Genomic Medicine, NCGM
Classification: Uncertain significance for Congenital microvillous atrophy. Review status: criteria provided, single submitter. Criteria: ACMG Guidelines, 2015. Collection method: clinical testing. Allele origin: germline. Affected: yes.
Comment: The missense variant p.R531W in MYO5B (NM_001080467.3) has not been reported previously as a pathogenic variant nor as a benign variant, to our knowledge. The p.R531W variant is observed in 2/15,486 (0.0129%) alleles from individuals of African background in gnomAD Exomes and is novel (not in any individuals) in 1000 Genomes. For these reasons, this variant has been classified as Uncertain Significance.

Literature cited by the submitters: PubMed 24014347 (cited by Labcorp Genetics (formerly Invitae), Labcorp); PubMed 38448026 (cited by Labcorp Genetics (formerly Invitae), Labcorp).

NM_001080467.3(MYO5B):c.1591C>T (p.Arg531Trp)

Gene: MYO5B (myosin VB; minus strand). Cytogenetic location: 18q21.1.
Variant type: single nucleotide variant.
Coding change: c.1591C>T on transcript NM_001080467.3 (MANE Select); coding-DNA position 1591, C replaced by T.
Protein change: p.Arg531Trp; replaces arginine 531 with tryptophan.
Molecular consequence: missense variant.
Genome position (GRCh38, 1-based): chr18:49,954,390, G>A on the plus strand (C>T on the coding strand, the complement: MYO5B is on the minus strand). VCF-style: chr18-49954390-G-A. GRCh37 (hg19) VCF-style: chr18-47480760-G-A.
Other names: short protein forms R531W.
Identifiers: ClinVar variation 1339137 (VCV001339137.8), dbSNP rs374618270, ClinGen allele CA8961461.
Genomic context (GRCh38, chr18:49,954,390, plus strand): 5'-CGATGATGAAGGCCGTGTTGGACATGCGGGGCTTCTGGAAGTGCTGGCTGCTGGAGTGCC[G>A]GTCATAGAGCTTCTGAGCCCAGTTCTGGTCAGTTCCTTTGGGGACCTGCAGAACCACAAG-3'
Protein context (NP_001073936.1, residues 521-541): DQNWAQKLYD[Arg531Trp]HSSSQHFQKP